The following is an entry in ClinVar:

NM_001184.4(ATR):c.4111T>C (p.Phe1371Leu)

Gene: ATR (ATR checkpoint kinase; minus strand). Cytogenetic location: 3q23.
Variant type: single nucleotide variant.
Coding change: c.4111T>C on transcript NM_001184.4 (MANE Select); coding-DNA position 4111, T replaced by C.
Protein change: p.Phe1371Leu; replaces phenylalanine 1371 with leucine.
Molecular consequence: missense variant.
Genome position (GRCh38, 1-based): chr3:142,524,034, A>G on the plus strand (T>C on the coding strand, the complement: ATR is on the minus strand). VCF-style: chr3-142524034-A-G. GRCh37 (hg19) VCF-style: chr3-142242876-A-G.
Other names: c.3919T>C, p.Phe1307Leu (NM_001354579.2); short protein forms F1307L, F1371L.
Identifiers: ClinVar variation 3221151 (VCV003221151.1), dbSNP rs2473265035, ClinGen allele CA354802220.

ClinVar aggregate classification (germline): Uncertain significance (1 of 4 stars; one submission).

Conditions:
Inborn genetic diseases. Identifiers: MedGen C0950123, MeSH D030342.

Submission:

Ambry Genetics
Classification: Uncertain significance for Inborn genetic diseases. Last evaluated: 2023-09-27. Review status: criteria provided, single submitter. Criteria: Ambry Variant Classification Scheme 2023. Collection method: clinical testing. Allele origin: germline.
Comment: The p.F1371L variant (also known as c.4111T>C), located in coding exon 22 of the ATR gene, results from a T to C substitution at nucleotide position 4111. The phenylalanine at codon 1371 is replaced by leucine, an amino acid with highly similar properties. This amino acid position is conserved. In addition, this alteration is predicted to be tolerated by in silico analysis. Since supporting evidence is limited at this time, the clinical significance of this alteration remains unclear.